The following is an entry in ClinVar:

NM_004525.3(LRP2):c.13198A>G (p.Lys4400Glu)

Gene: LRP2 (LDL receptor related protein 2; minus strand). Cytogenetic location: 2q31.1.
Variant type: single nucleotide variant.
Coding change: c.13198A>G on transcript NM_004525.3 (MANE Select); coding-DNA position 13198, A replaced by G.
Protein change: p.Lys4400Glu; replaces lysine 4400 with glutamic acid.
Molecular consequence: missense variant.
Genome position (GRCh38, 1-based): chr2:169,140,456, T>C on the plus strand (A>G on the coding strand, the complement: LRP2 is on the minus strand). VCF-style: chr2-169140456-T-C. GRCh37 (hg19) VCF-style: chr2-169996966-T-C.
Other names: short protein forms K4400E.
Identifiers: ClinVar variation 1522258 (VCV001522258.6), dbSNP rs770991917, ClinGen allele CA1952628.

ClinVar aggregate classification (germline): Uncertain significance. Review status: criteria provided, multiple submitters, no conflicts (2 of 4 stars). 2 submissions from 2 submitters: Uncertain significance (2). Last evaluated 2024-02-04.

Conditions:
Donnai-Barrow syndrome. Also called: DBS/FOAR SYNDROME; FACIOOCULOACOUSTICORENAL SYNDROME. Identifiers: Orphanet 2143, MedGen C1857277, MONDO:0009104, OMIM 222448.

Allele frequency attached by ClinVar (database versions not stated): gnomAD exomes 0.00002 and 0.00004; ExAC 0.00003.
gnomAD v4.1: 33 of 1,613,464 alleles (0.002%); highest among the groups gnomAD compares: South Asian, 0.034%; no homozygotes.

Submissions (2):

Fulgent Genetics
Classification: Uncertain significance for Donnai-Barrow syndrome. Last evaluated: 2024-02-04. Review status: criteria provided, single submitter. Criteria: ACMG Guidelines, 2015. Collection method: clinical testing. Allele origin: germline.

Labcorp Genetics (formerly Invitae), Labcorp
Classification: Uncertain significance. Last evaluated: 2022-05-29. Review status: criteria provided, single submitter. Criteria: Invitae Variant Classification Sherloc (09022015). Collection method: clinical testing. Allele origin: germline.
Comment: This sequence change replaces lysine, which is basic and polar, with glutamic acid, which is acidic and polar, at codon 4400 of the LRP2 protein (p.Lys4400Glu). This variant is present in population databases (rs770991917, gnomAD 0.03%). This variant has not been reported in the literature in individuals affected with LRP2-related conditions. ClinVar contains an entry for this variant (Variation ID: 1522258). Algorithms developed to predict the effect of missense changes on protein structure and function are either unavailable or do not agree on the potential impact of this missense change (SIFT: "Tolerated"; PolyPhen-2: "Possibly Damaging"; Align-GVGD: "Class C0"). In summary, the available evidence is currently insufficient to determine the role of this variant in disease. Therefore, it has been classified as a Variant of Uncertain Significance.